The following is an entry in ClinVar:

ClinVar aggregate classification (germline): Uncertain significance. Review status: criteria provided, multiple submitters, no conflicts (2 of 4 stars). 2 submissions from 2 submitters: Uncertain significance (2). Last evaluated 2026-03-18.

Conditions:
Polycystic kidney disease, adult type (PKD1). Also called: Polycystic Kidney Disease 1, Autosomal Dominant; Polycystic kidney disease 1; Polycystic kidney disease 1, severe; Polycystic Kidney, Autosomal Dominant; POLYCYSTIC KIDNEY DISEASE 1 WITH OR WITHOUT POLYCYSTIC LIVER DISEASE; POLYCYSTIC KIDNEY DISEASE, ADULT, TYPE I. Identifiers: MedGen C3149841, MONDO:0008263, OMIM 173900.

Submissions (2):

Women's Health and Genetics/Laboratory Corporation of America, LabCorp
Classification: Uncertain significance. Last evaluated: 2026-03-18. Review status: criteria provided, single submitter. Criteria: LabCorp Variant Classification Summary - May 2015. Collection method: clinical testing. Allele origin: germline.
Comment: Variant summary: PKD1 c.497T>C (p.Leu166Pro) results in a non-conservative amino acid change in the encoded protein sequence. Algorithms developed to predict the effect of missense changes on protein structure and function are either unavailable or do not agree on the potential impact of this missense change. The variant was absent in 82584 control chromosomes. The available data on variant occurrences in the general population are insufficient to allow any conclusion about variant significance. To our knowledge, no occurrence of c.497T>C in individuals affected with PKD1-related conditions and no experimental evidence demonstrating its impact on protein function have been reported. ClinVar contains an entry for this variant (Variation ID: 3579833). Based on the evidence outlined above, the variant was classified as uncertain significance.

Fulgent Genetics
Classification: Uncertain significance for Polycystic kidney disease, adult type. Last evaluated: 2024-03-12. Review status: criteria provided, single submitter. Criteria: ACMG Guidelines, 2015. Collection method: clinical testing. Allele origin: germline.

NM_001009944.3(PKD1):c.497T>C (p.Leu166Pro)

Gene: PKD1 (polycystin 1, transient receptor potential channel interacting; minus strand). Cytogenetic location: 16p13.3.
Variant type: single nucleotide variant.
Coding change: c.497T>C on transcript NM_001009944.3 (MANE Select); coding-DNA position 497, T replaced by C.
Protein change: p.Leu166Pro; replaces leucine 166 with proline.
Molecular consequence: missense variant.
Genome position (GRCh38, 1-based): chr16:2,118,708, A>G on the plus strand (T>C on the coding strand, the complement: PKD1 is on the minus strand). VCF-style: chr16-2118708-A-G. GRCh37 (hg19) VCF-style: chr16-2168709-A-G.
Other names: c.497T>C, p.Leu166Pro (NM_000296.4); short protein forms L166P.
Identifiers: ClinVar variation 3579833 (VCV003579833.2).